The following is an entry in ClinVar:

ClinVar aggregate classification (germline): Likely benign (1 of 4 stars; one submission).

Allele frequency attached by ClinVar (database versions not stated): gnomAD 0.00001; ExAC 0.00003; gnomAD exomes 0.00003.
gnomAD v4.1: 41 of 1,614,092 alleles (0.0025%); highest among the groups gnomAD compares: South Asian, 0.013%; no homozygotes.

Submission:

Women's Health and Genetics/Laboratory Corporation of America, LabCorp
Classification: Likely benign. Last evaluated: 2023-12-04. Review status: criteria provided, single submitter. Criteria: LabCorp Variant Classification Summary - May 2015. Collection method: clinical testing. Allele origin: germline.
Comment: Variant summary: ATP2A2 c.1910G>A (p.Arg637His) results in a non-conservative amino acid change located in the P-type ATPase, haloacid dehalogenase domain (IPR044492) of the encoded protein sequence. Five of five in-silico tools predict a damaging effect of the variant on protein function. The variant allele was found at a frequency of 2.5e-05 in 1,614,092 control chromosomes (i.e. in 41 heterozygous individuals), predominantly at a frequency of 0.00013 within the South Asian subpopulation in the gnomAD database (v.4.0 dataset). This frequency suggests that the variant is not associated with a highly penetrant, early onset dominant condition, and thus could be a benign polymorphism. To our knowledge, no occurrence of c.1910G>A in individuals affected with ATP2A2-Related Disorders and no experimental evidence demonstrating its impact on protein function have been reported. No submitters have cited clinical-significance assessments for this variant to ClinVar after 2014. Based on the evidence outlined above, the variant was classified as likely benign.

NM_170665.4(ATP2A2):c.1910G>A (p.Arg637His)

Genes: ATP2A2 (ATPase sarcoplasmic/endoplasmic reticulum Ca2+ transporting 2; plus strand), LOC126861637 (MED14-independent group 3 enhancer GRCh37_chr12:110778306-110779505; plus strand). Cytogenetic location: 12q24.11.
Variant type: single nucleotide variant.
Coding change: c.1910G>A on transcript NM_170665.4 (MANE Select); coding-DNA position 1910, G replaced by A.
Protein change: p.Arg637His; replaces arginine 637 with histidine.
Molecular consequence: missense variant.
Genome position (GRCh38, 1-based): chr12:110,340,807, G>A. VCF-style: chr12-110340807-G-A. GRCh37 (hg19) VCF-style: chr12-110778612-G-A.
Other names: c.1805G>A, p.Arg602His (NM_001413013.1); c.1910G>A, p.Arg637His (NM_001413014.1, NM_001681.4); c.1535G>A, p.Arg512His (NM_001413015.1); short protein forms R512H, R602H, R637H.
Identifiers: ClinVar variation 2691458 (VCV002691458.1), dbSNP rs753907244, ClinGen allele CA6783998.